The following is an entry in ClinVar:

NM_003482.4(KMT2D):c.2539G>A (p.Glu847Lys)

Gene: KMT2D (lysine methyltransferase 2D; minus strand). Cytogenetic location: 12q13.12.
Variant type: single nucleotide variant.
Coding change: c.2539G>A on transcript NM_003482.4 (MANE Select); coding-DNA position 2539, G replaced by A.
Protein change: p.Glu847Lys; replaces glutamic acid 847 with lysine.
Molecular consequence: missense variant.
Genome position (GRCh38, 1-based): chr12:49,051,144, C>T on the plus strand (G>A on the coding strand, the complement: KMT2D is on the minus strand). VCF-style: chr12-49051144-C-T. GRCh37 (hg19) VCF-style: chr12-49444927-C-T.
Other names: short protein forms E847K.
Identifiers: ClinVar variation 2073329 (VCV002073329.4), dbSNP rs1439134461, ClinGen allele CA384665595.

ClinVar aggregate classification (germline): Uncertain significance (1 of 4 stars; one submission).

Conditions:
Kabuki syndrome. Also called: Kabuki make-up syndrome; NIIKAWA-KUROKI SYNDROME. Identifiers: Orphanet 2322, MedGen C0796004, MONDO:0016512.

Allele frequency attached by ClinVar (database versions not stated): gnomAD 0.00001; TOPMed 0.00001.

Submission:

Labcorp Genetics (formerly Invitae), Labcorp
Classification: Uncertain significance for Kabuki syndrome. Last evaluated: 2022-09-30. Review status: criteria provided, single submitter. Criteria: Invitae Variant Classification Sherloc (09022015). Collection method: clinical testing. Allele origin: germline.
Comment: In summary, the available evidence is currently insufficient to determine the role of this variant in disease. Therefore, it has been classified as a Variant of Uncertain Significance. Advanced modeling of protein sequence and biophysical properties (such as structural, functional, and spatial information, amino acid conservation, physicochemical variation, residue mobility, and thermodynamic stability) performed at Invitae indicates that this missense variant is not expected to disrupt KMT2D protein function. This variant has not been reported in the literature in individuals affected with KMT2D-related conditions. This variant is not present in population databases (gnomAD no frequency). This sequence change replaces glutamic acid, which is acidic and polar, with lysine, which is basic and polar, at codon 847 of the KMT2D protein (p.Glu847Lys).